The following is an entry in ClinVar:

ClinVar aggregate classification (germline): Uncertain significance (1 of 4 stars; one submission).

Conditions:
Bardet-Biedl syndrome 16 (BBS16). Identifiers: Orphanet 110, MedGen C3889474, MONDO:0014444, OMIM 615993.
Senior-Loken syndrome 7 (SLSN7). Identifiers: Orphanet 3156, MedGen C3150877, MONDO:0013326, OMIM 613615.

gnomAD v4.1: 1 of 1,612,264 alleles (0.000062%); highest among the groups gnomAD compares: Non-Finnish European, 0.000085%; no homozygotes.

Submission:

Labcorp Genetics (formerly Invitae), Labcorp
Classification: Uncertain significance for Bardet-Biedl syndrome 16; Senior-Loken syndrome 7. Last evaluated: 2022-08-16. Review status: criteria provided, single submitter. Criteria: Invitae Variant Classification Sherloc (09022015). Collection method: clinical testing. Allele origin: germline.
Comment: This variant has not been reported in the literature in individuals affected with SDCCAG8-related conditions. This sequence change replaces arginine, which is basic and polar, with glutamine, which is neutral and polar, at codon 702 of the SDCCAG8 protein (p.Arg702Gln). This variant is not present in population databases (gnomAD no frequency). ClinVar contains an entry for this variant (Variation ID: 1394182). Algorithms developed to predict the effect of missense changes on protein structure and function (SIFT, PolyPhen-2, Align-GVGD) all suggest that this variant is likely to be tolerated. In summary, the available evidence is currently insufficient to determine the role of this variant in disease. Therefore, it has been classified as a Variant of Uncertain Significance.

NM_006642.5(SDCCAG8):c.2105G>A (p.Arg702Gln)

Genes: AKT3 (AKT serine/threonine kinase 3; minus strand), SDCCAG8 (SHH signaling and ciliogenesis regulator SDCCAG8; plus strand). Cytogenetic location: 1q43.
Variant type: single nucleotide variant.
Coding change: c.2105G>A on transcript NM_006642.5 (MANE Select); coding-DNA position 2105, G replaced by A.
Protein change: p.Arg702Gln; replaces arginine 702 with glutamine.
Molecular consequence: missense variant. On other transcripts: intron variant (1).
Genome position (GRCh38, 1-based): chr1:243,489,133, G>A. VCF-style: chr1-243489133-G-A. GRCh37 (hg19) VCF-style: chr1-243652435-G-A.
Other names: c.1202G>A, p.Arg401Gln (NM_001350246.2, NM_001350247.2, NM_001350251.2); c.2201G>A, p.Arg734Gln (NM_001350248.2); c.1811G>A, p.Arg604Gln (NM_001350249.2); c.*7-683C>T (NM_181690.2); short protein forms R734Q, R702Q, R401Q, R604Q.
Identifiers: ClinVar variation 1394182 (VCV001394182.7), dbSNP rs2148267381, ClinGen allele CA345668210.
Genomic context (GRCh38, chr1:243,489,133, plus strand): 5'-GCAAGCAGAACCAGCTTCTCCTGGAGAGGCAGAGCCTGTCGGAAGAGGTGGACCGGCTGC[G>A]GACCCAGGTACTGTGCAGAACGCGGCGCAGGTGGGAGTCCTTGGGCGGGCGTCTACAGGT-3'
Protein context (NP_006633.1, residues 692-712): QSLSEEVDRL[Arg702Gln]TQLPSMPQSD